The following is an entry in ClinVar:

ClinVar aggregate classification (germline): Uncertain significance. Review status: criteria provided, multiple submitters, no conflicts (2 of 4 stars). 2 submissions from 2 submitters: Uncertain significance (2). Last evaluated 2022-06-09.

gnomAD v4.1: 2 of 1,614,062 alleles (0.00012%); no homozygotes.

Submissions (2):

Women's Health and Genetics/Laboratory Corporation of America, LabCorp
Classification: Uncertain significance. Last evaluated: 2022-06-09. Review status: criteria provided, single submitter. Criteria: LabCorp Variant Classification Summary - May 2015. Collection method: clinical testing. Allele origin: germline.
Comment: Variant summary: TCF20 c.2305T>C (p.Ser769Pro) results in a non-conservative amino acid change in the encoded protein sequence. Four of five in-silico tools predict a benign effect of the variant on protein function. The variant was absent in 251420 control chromosomes (gnomAD). The available data on variant occurrences in the general population are insufficient to allow any conclusion about variant significance. To our knowledge, no occurrence of c.2305T>C in individuals affected with Developmental Delay With Variable Intellectual Impairment And Behavioral Abnormalities and no experimental evidence demonstrating its impact on protein function have been reported. One ClinVar submitter has assessed the variant since 2014: it was classified as of uncertain significance. Based on the evidence outlined above, the variant was classified as uncertain significance.

Labcorp Genetics (formerly Invitae), Labcorp
Classification: Uncertain significance. Last evaluated: 2021-01-31. Review status: criteria provided, single submitter. Criteria: Invitae Variant Classification Sherloc (09022015). Collection method: clinical testing. Allele origin: germline.
Comment: In summary, the available evidence is currently insufficient to determine the role of this variant in disease. Therefore, it has been classified as a Variant of Uncertain Significance. Algorithms developed to predict the effect of missense changes on protein structure and function output the following: SIFT: "Tolerated"; PolyPhen-2: "Benign"; Align-GVGD: "Class C0". The proline amino acid residue is found in multiple mammalian species, suggesting that this missense change does not adversely affect protein function. These predictions have not been confirmed by published functional studies and their clinical significance is uncertain. This variant has not been reported in the literature in individuals with TCF20-related conditions. This variant is not present in population databases (ExAC no frequency). This sequence change replaces serine with proline at codon 769 of the TCF20 protein (p.Ser769Pro). The serine residue is weakly conserved and there is a moderate physicochemical difference between serine and proline.

NM_001378418.1(TCF20):c.2305T>C (p.Ser769Pro)

Gene: TCF20 (transcription factor 20; minus strand). Cytogenetic location: 22q13.2.
Variant type: single nucleotide variant.
Coding change: c.2305T>C on transcript NM_001378418.1 (MANE Select); coding-DNA position 2305, T replaced by C.
Protein change: p.Ser769Pro; replaces serine 769 with proline.
Molecular consequence: missense variant.
Genome position (GRCh38, 1-based): chr22:42,213,001, A>G on the plus strand (T>C on the coding strand, the complement: TCF20 is on the minus strand). VCF-style: chr22-42213001-A-G. GRCh37 (hg19) VCF-style: chr22-42609007-A-G.
Other names: c.2305T>C, p.Ser769Pro (NM_005650.4, NM_181492.3); short protein forms S769P.
Identifiers: ClinVar variation 1358071 (VCV001358071.8), dbSNP rs2147212306, ClinGen allele CA411788946.